The following is an entry in ClinVar:

NM_012186.3(FOXE3):c.178G>T (p.Gly60Trp)

Genes: FOXE3 (forkhead box E3; plus strand), LINC01389 (long independently transcribed non-coding RNA 1389; minus strand). Cytogenetic location: 1p33.
Variant type: single nucleotide variant.
Coding change: c.178G>T on transcript NM_012186.3 (MANE Select); coding-DNA position 178, G replaced by T.
Protein change: p.Gly60Trp; replaces glycine 60 with tryptophan.
Molecular consequence: missense variant.
Genome position (GRCh38, 1-based): chr1:47,416,493, G>T. VCF-style: chr1-47416493-G-T. GRCh37 (hg19) VCF-style: chr1-47882165-G-T.
Other names: short protein forms G60W.
Identifiers: ClinVar variation 998594 (VCV000998594.12), dbSNP rs1646883301, ClinGen allele CA340249188.

ClinVar aggregate classification (germline): Uncertain significance. Review status: criteria provided, multiple submitters, no conflicts (2 of 4 stars). 2 submissions from 2 submitters: Uncertain significance (2). Last evaluated 2025-01-29.

Conditions:
Congenital primary aphakia. Also called: Anterior segment dysgenesis 2, multiple subtypes; ANTERIOR SEGMENT DYSGENESIS 2. Identifiers: Orphanet 83461, MedGen C1853230, MONDO:0012456, OMIM 610256.
Anterior segment dysgenesis. Also called: Ocular anterior segment dysgenesis. Identifiers: Orphanet 88632, MedGen C1862839, MONDO:0019503, HP:0007700.
Cardiovascular phenotype. Identifiers: MedGen CN230736.

Submissions (2):

Ambry Genetics
Classification: Uncertain significance for Cardiovascular phenotype. Last evaluated: 2025-01-29. Review status: criteria provided, single submitter. Criteria: Ambry Variant Classification Scheme 2023. Collection method: clinical testing. Allele origin: germline.

Labcorp Genetics (formerly Invitae), Labcorp
Classification: Uncertain significance for Anterior segment dysgenesis; Congenital primary aphakia. Last evaluated: 2020-10-13. Review status: criteria provided, single submitter. Criteria: Invitae Variant Classification Sherloc (09022015). Collection method: clinical testing. Allele origin: germline.
Comment: This sequence change replaces glycine with tryptophan at codon 60 of the FOXE3 protein (p.Gly60Trp). The glycine residue is moderately conserved and there is a large physicochemical difference between glycine and tryptophan. The frequency data for this variant in the population databases is considered unreliable, as metrics indicate insufficient coverage at this position in the ExAC database. This variant has not been reported in the literature in individuals with FOXE3-related conditions. Algorithms developed to predict the effect of missense changes on protein structure and function are either unavailable or do not agree on the potential impact of this missense change (SIFT: "Deleterious"; PolyPhen-2: "Probably Damaging"; Align-GVGD: "Class C0"). In summary, the available evidence is currently insufficient to determine the role of this variant in disease. Therefore, it has been classified as a Variant of Uncertain Significance.